The following is an entry in ClinVar:

NM_000059.4(BRCA2):c.5616_5620del (p.Lys1872fs)

Gene: BRCA2 (BRCA2 DNA repair associated; plus strand). Cytogenetic location: 13q13.1.
Variant type: Microsatellite.
Coding change: c.5616_5620del on transcript NM_000059.4 (MANE Select); coding-DNA positions 5616 to 5620, 5 bases deleted (AGTAA; older notation c.5616_5620delAGTAA).
Protein change: p.Lys1872fs; shifts the reading frame from lysine 1872.
Molecular consequence: frameshift variant.
Genome position (GRCh38, 1-based): chr13:32,339,971-32,339,975, AGTAA deleted; deleting any 5 consecutive bases within chr13:32,339,966-32,339,975 gives the same sequence; the c. name uses the placement nearest the transcript's 3' end. VCF-style (leftmost placement, unchanged base first): chr13-32339965-CAGTAA-C. GRCh37 (hg19) VCF-style: chr13-32914102-CAGTAA-C.
Other names: 5844del5; c.5616_5620delAGTAA (NM_000059.3); short protein forms K1872fs.
Identifiers: ClinVar variation 51892 (VCV000051892.78), dbSNP rs80359525, ClinGen allele CA022713.

ClinVar aggregate classification (germline): Pathogenic. Review status: reviewed by expert panel (3 of 4 stars). 31 submissions from 30 submitters: Pathogenic (1). 30 of the submissions do not count toward it. Last evaluated 2016-09-08.

Conditions:
Glioma susceptibility 3 (GLM3). Also called: Glioblastoma 3. Identifiers: Orphanet 182067, Orphanet 360, MedGen C2751641, MONDO:0013093, OMIM 613029.
Familial prostate cancer. Also called: Hereditary Prostate Cancer. Identifiers: MedGen C2931456, MONDO:0700275, OMIM 176807.
Breast-ovarian cancer, familial, susceptibility to, 2 (BROVCA2). Also called: BRCA2 Hereditary Breast and Ovarian Cancer. Identifiers: Orphanet 145, MedGen C2675520, MONDO:0012933, OMIM 612555. Disease mechanism: loss of function.
Fanconi anemia complementation group D1. Also called: BRCA2-Related Fanconi Anemia. Identifiers: Orphanet 319462, MedGen C1838457, MONDO:0011584, OMIM 605724.
Medulloblastoma (MDB). Also called: Medulloblastoma, somatic; MEDULLOBLASTOMA PREDISPOSITION SYNDROME. Identifiers: Orphanet 616, MedGen C0025149, MeSH D008527, MONDO:0007959, OMIM 155255, HP:0002885.
Wilms tumor 1 (WT1). Also called: Wilms tumor, somatic. Identifiers: Orphanet 654, MedGen CN033288, MONDO:0008679, OMIM 194070.
Familial cancer of breast. Also called: BREAST CANCER, FAMILIAL; hereditary breast carcinoma; Hereditary breast cancer. Identifiers: Orphanet 227535, MedGen C0346153, MONDO:0016419, OMIM 114480. Disease mechanism: loss of function.
BRCA2-related cancer predisposition. Identifiers: MedGen CN377758, MONDO:0700269.
BRCA2-related disorder. Also called: BRCA2-related condition; BRCA2-related disorders. Identifiers: MedGen CN239275.
Pancreatic cancer, susceptibility to, 2. Identifiers: Orphanet 1333, MedGen C3150546, MONDO:0013235, OMIM 613347.
Prostate cancer. Also called: Malignant tumor of prostate. Identifiers: Orphanet 1331, MedGen C0376358, MONDO:0008315, HP:0012125.
Hereditary cancer-predisposing syndrome. Also called: Neoplastic Syndromes, Hereditary; Tumor predisposition; Hereditary Cancer Syndrome; Hereditary neoplastic syndrome. Identifiers: Orphanet 140162, MedGen C0027672, MeSH D009386, MONDO:0015356.
Hereditary breast ovarian cancer syndrome. Also called: Breast and ovarian cancer; Hereditary breast and ovarian cancer; Hereditary breast and ovarian cancer syndrome (HBOC); Hereditary breast and ovarian cancer syndrome; BRCA1- and BRCA2-Associated Hereditary Breast and Ovarian Cancer; Hereditary breast and/or ovarian cancer syndrome. Identifiers: Orphanet 145, MedGen C0677776, MeSH D061325, MONDO:0003582. Disease mechanism: loss of function.

Submissions 1 to 6 of 31:

Evidence-based Network for the Interpretation of Germline Mutant Alleles (ENIGMA)
Classification: Pathogenic for Breast-ovarian cancer, familial, susceptibility to, 2. Last evaluated: 2016-09-08. Review status: reviewed by expert panel. Criteria: ENIGMA BRCA1/2 Classification Criteria (2015). Collection method: curation. Allele origin: germline.
Comment: Variant allele predicted to encode a truncated non-functional protein.

Dasa
Classification: Pathogenic for Breast-ovarian cancer, familial, susceptibility to, 2. Last evaluated: 2026-02-02. Review status: criteria provided, single submitter. Criteria: DASA Assertion Criteria. Collection method: clinical testing. Allele origin: germline. Not counted in ClinVar's aggregate classification.
Comment: NM_000059.4(BRCA2):c.5616_5620del (p.Lys1872Asnfs*2) is a frameshift variant in BRCA2 predicted to alter the reading frame and introduce a premature termination codon and is predicted to result in an absent or altered protein product. Loss of function is an established disease mechanism for BRCA2 (PMID: 16199546; PMID: 17063271; PMID: 25632310). The affected residue or protein region has prior evidence supporting clinical relevance. This variant has been reported in individuals with Breast-ovarian cancer, familial, susceptibility to, 2 (PMID: 28008555). Also, this variant is rare in population databases. Based on the currently available evidence, this variant is classified as pathogenic.

Labcorp Genetics (formerly Invitae), Labcorp
Classification: Pathogenic for Hereditary breast ovarian cancer syndrome. Last evaluated: 2026-01-26. Review status: criteria provided, single submitter. Criteria: Invitae Variant Classification Sherloc (09022015). Collection method: clinical testing. Allele origin: germline. Not counted in ClinVar's aggregate classification.
Comment: This sequence change creates a premature translational stop signal (p.Lys1872Asnfs*2) in the BRCA2 gene. It is expected to result in an absent or disrupted protein product. Loss-of-function variants in BRCA2 are known to be pathogenic (PMID: 20104584). This variant is present in population databases (rs763069721, gnomAD 0.007%). This premature translational stop signal has been observed in individual(s) with breast cancer (PMID: 15533909, 20104584, 24742220, 25428789, 26681312, 28008555). This variant is also known as 5844del5. ClinVar contains an entry for this variant (Variation ID: 51892). For these reasons, this variant has been classified as Pathogenic.

ARUP Laboratories, Molecular Genetics and Genomics, ARUP Laboratories
Classification: Pathogenic. Last evaluated: 2025-05-21. Review status: criteria provided, single submitter. Criteria: ARUP Molecular Germline Variant Investigation Process 2024. Collection method: clinical testing. Allele origin: germline. Not counted in ClinVar's aggregate classification.
Comment: The BRCA2 c.5616_5620delAGTAA; p.Lys1872AsnfsTer2 variant (rs80359525) is reported in the literature in multiple individuals affected with hereditary breast and ovarian cancer syndrome (Cock-Rada2018, Sun 2017, Thauvin-Robinet 2019, Natarajan 2016). This variant is also reported in ClinVar (Variation ID: 51892) and is classified as pathogenic by the evidence-based network for the interpretation of germline mutant alleles (ENIGMA) expert panel (see link to ENIGMA consortium classification criteria). This variant is only observed on one allele in the Genome Aggregation Database, indicating it is not a common polymorphism. This variant causes a frameshift by deleting five nucleotides, so it is predicted to result in a truncated protein or mRNA subject to nonsense-mediated decay. Based on available information, this variant is considered to be pathogenic. References: Link to ENIGMA classification criteria: Cock-Rada AM et al. A multi-gene panel study in hereditary breast and ovarian cancer in Colombia. Fam Cancer. 2018 Jan;17(1):23-30. PMID: 28528518. Sun J et al. Germline Mutations in Cancer Susceptibility Genes in a Large Series of Unselected Breast Cancer Patients. Clin Cancer Res. 2017 Oct 15;23(20):6113-6119. PMID: 28724667. Thauvin-Robinet C et al. Secondary actionable findings identified by exome sequencing: expected impact on the organisation of care from the study of 700 consecutive tests. Eur J Hum Genet. 2019 Aug;27(8):1197-1214. PMID: 31019283. Natarajan P et al. Aggregate penetrance of genomic variants for actionable disorders in European and African Americans. Sci Transl Med. 2016 Nov 9;8(364):364ra151. PMID: 27831900.

Ambry Genetics
Classification: Pathogenic for Hereditary cancer-predisposing syndrome. Last evaluated: 2025-04-30. Review status: criteria provided, single submitter. Criteria: Ambry Variant Classification Scheme 2023. Collection method: clinical testing. Allele origin: germline. Not counted in ClinVar's aggregate classification.
Comment: The c.5616_5620delAGTAA alteration, located in exon 11 (coding exon 10) of the BRCA2 gene, consists of a deletion of 5 nucleotides from position 5616 to 5620, causing a translational frameshift with a predicted alternate stop codon after 2 amino acids. This alteration is expected to result in loss of function by premature protein truncation or nonsense-mediated mRNA decay. Based on data from gnomAD, this allele has an overall frequency of <0.001% (1/247384) total alleles studied. The highest observed frequency was 0.006% (1/16090) of African alleles. This alteration has been reported in multiple individuals with hereditary breast and/or ovarian cancer (Pal, 2004; Hern&aacute;ndez, 2014; Churpek, 2015; Susswein, 2016; Pritzlaff, 2017; Sun, 2017; Choi, 2018; Marchetti, 2018; Hoyer, 2018; Ademuyiwa, 2019; Vargas, 2019; Zeng, 2020; Bishop, 2020). Of note, this alteration is also designated as 5844del5 and c.5611_5615del in published literature. Based on the available evidence, this alteration is classified as pathogenic.

Institute for Genomic Medicine (IGM) Clinical Laboratory, Nationwide Children's Hospital
Classification: Pathogenic for Hereditary cancer-predisposing syndrome. Last evaluated: 2024-10-29. Review status: criteria provided, single submitter. Criteria: ACMG Guidelines, 2015. Collection method: clinical testing. Allele origin: germline. Not counted in ClinVar's aggregate classification.
Comment: This variant is predicted to result in loss of function through nonsense-mediated decay of the encoded transcript or premature truncation of the encoded protein in a gene in which loss of function is a known mechanism of disease (ACMG/AMP: PVS1; PMIDs:16234499, 20104584). This variant has been reported at an elevated frequency in affected individuals/in multiple affected individuals in the literature (ACMG/AMP: PS4; PMIDs:15533909, 20104584, 24742220, 25428789, 30128899, 29446198). This variant is absent from or present at an exceedingly low frequency in gnomAD, a large-scale control population database (ACMG/AMP: PM2).